The following is an entry in ClinVar:

NM_006231.4(POLE):c.424-3T>C

Gene: POLE (DNA polymerase epsilon, catalytic subunit; minus strand). Cytogenetic location: 12q24.33.
Variant type: single nucleotide variant.
Coding change: c.424-3T>C on transcript NM_006231.4 (MANE Select); 3 bases into the intron before coding-DNA position 424, T replaced by C.
Molecular consequence: intron variant.
Genome position (GRCh38, 1-based): chr12:132,679,654, A>G on the plus strand (T>C on the coding strand, the complement: POLE is on the minus strand). VCF-style: chr12-132679654-A-G. GRCh37 (hg19) VCF-style: chr12-133256240-A-G.
Identifiers: ClinVar variation 486969 (VCV000486969.15), dbSNP rs1555230120, ClinGen allele CA658658227.

ClinVar aggregate classification (germline): Uncertain significance. Review status: criteria provided, multiple submitters, no conflicts (2 of 4 stars). 2 submissions from 2 submitters: Uncertain significance (2). Last evaluated 2026-02-19.

Conditions:
Hereditary cancer-predisposing syndrome. Also called: Tumor predisposition; Hereditary Cancer Syndrome; Neoplastic Syndromes, Hereditary; Hereditary neoplastic syndrome. Identifiers: Orphanet 140162, MedGen C0027672, MeSH D009386, MONDO:0015356.

Allele frequency attached by ClinVar (database versions not stated): gnomAD exomes below 0.00001.
gnomAD v4.1: 1 of 1,607,392 alleles (0.000062%); highest among the groups gnomAD compares: Non-Finnish European, 0.000085%; no homozygotes.

Submissions (2):

Ambry Genetics
Classification: Uncertain significance for Hereditary cancer-predisposing syndrome. Last evaluated: 2026-02-19. Review status: criteria provided, single submitter. Criteria: Ambry Variant Classification Scheme 2023. Collection method: clinical testing. Allele origin: germline.
Comment: The c.424-3T>C intronic variant results from a T to C substitution 3 nucleotides upstream from coding exon 6 in the POLE gene. This nucleotide position is not well conserved in available vertebrate species. In silico splice site analysis predicts that this alteration will not have any significant effect on splicing. Based on the available evidence, the clinical significance of this variant remains unclear.

Labcorp Genetics (formerly Invitae), Labcorp
Classification: Uncertain significance. Last evaluated: 2026-01-04. Review status: criteria provided, single submitter. Criteria: Invitae Variant Classification Sherloc (09022015). Collection method: clinical testing. Allele origin: germline.
Comment: This sequence change falls in intron 5 of the POLE gene. It does not directly change the encoded amino acid sequence of the POLE protein. It affects a nucleotide within the consensus splice site. This variant is not present in population databases (gnomAD no frequency). This variant has not been reported in the literature in individuals affected with POLE-related conditions. ClinVar contains an entry for this variant (Variation ID: 486969). Variants that disrupt the consensus splice site are a relatively common cause of aberrant splicing (PMID: 17576681, 9536098). Algorithms developed to predict the effect of sequence changes on RNA splicing suggest that this variant is not likely to affect RNA splicing. In summary, the available evidence is currently insufficient to determine the role of this variant in disease. Therefore, it has been classified as a Variant of Uncertain Significance.

Literature cited by the submitters: PubMed 17576681 (cited by Labcorp Genetics (formerly Invitae), Labcorp); PubMed 9536098 (cited by Labcorp Genetics (formerly Invitae), Labcorp).